The following is an entry in ClinVar:

NM_001382391.1(CSPP1):c.2600A>G (p.Gln867Arg)

Gene: CSPP1 (centrosome and spindle pole associated protein 1; plus strand). Cytogenetic location: 8q13.2.
Variant type: single nucleotide variant.
Coding change: c.2600A>G on transcript NM_001382391.1 (MANE Select); coding-DNA position 2600, A replaced by G.
Protein change: p.Gln867Arg; replaces glutamine 867 with arginine.
Molecular consequence: missense variant.
Genome position (GRCh38, 1-based): chr8:67,161,872, A>G. VCF-style: chr8-67161872-A-G. GRCh37 (hg19) VCF-style: chr8-68074107-A-G.
Other names: c.1550A>G, p.Gln517Arg (NM_001291339.2); c.2519A>G, p.Gln840Arg (NM_001363131.2); c.2405A>G, p.Gln802Arg (NM_001363132.2); c.2324A>G, p.Gln775Arg (NM_001363133.2); c.2666A>G, p.Gln889Arg (NM_001364869.1); c.2486A>G, p.Gln829Arg (NM_001364870.1); c.2585A>G, p.Gln862Arg (NM_024790.7); short protein forms Q840R, Q862R, Q867R, Q517R, Q775R, Q802R, Q829R, Q889R.
Identifiers: ClinVar variation 2013234 (VCV002013234.4), dbSNP rs2489901951, ClinGen allele CA371192299.

ClinVar aggregate classification (germline): Uncertain significance (1 of 4 stars; one submission).

Conditions:
Joubert syndrome 21 (JBTS21). Identifiers: MedGen C3810212, MONDO:0014288, OMIM 615636.

Allele frequency attached by ClinVar (database versions not stated): gnomAD exomes below 0.00001.
gnomAD v4.1: 3 of 1,613,606 alleles (0.00019%); highest among the groups gnomAD compares: South Asian, 0.0022%; no homozygotes.

Submission:

Labcorp Genetics (formerly Invitae), Labcorp
Classification: Uncertain significance for Joubert syndrome 21. Last evaluated: 2025-03-10. Review status: criteria provided, single submitter. Criteria: Invitae Variant Classification Sherloc (09022015). Collection method: clinical testing. Allele origin: germline.
Comment: This sequence change replaces glutamine, which is neutral and polar, with arginine, which is basic and polar, at codon 862 of the CSPP1 protein (p.Gln862Arg). This variant is not present in population databases (gnomAD no frequency). This variant has not been reported in the literature in individuals affected with CSPP1-related conditions. ClinVar contains an entry for this variant (Variation ID: 2013234). An algorithm developed to predict the effect of missense changes on protein structure and function outputs the following: PolyPhen-2: "Benign". The arginine amino acid residue is found in multiple mammalian species, which suggests that this missense change does not adversely affect protein function. In summary, the available evidence is currently insufficient to determine the role of this variant in disease. Therefore, it has been classified as a Variant of Uncertain Significance.